The following is an entry in ClinVar:

ClinVar aggregate classification (germline): Uncertain significance (1 of 4 stars; one submission).

gnomAD v4.1: 2 of 1,614,236 alleles (0.00012%); highest among the groups gnomAD compares: South Asian, 0.0011%; no homozygotes.

Submission:

Labcorp Genetics (formerly Invitae), Labcorp
Classification: Uncertain significance. Last evaluated: 2025-09-29. Review status: criteria provided, single submitter. Criteria: Invitae Variant Classification Sherloc (09022015). Collection method: clinical testing. Allele origin: germline.
Comment: This sequence change replaces serine, which is neutral and polar, with asparagine, which is neutral and polar, at codon 335 of the TUBB3 protein (p.Ser335Asn). The frequency data for this variant in the population databases is considered unreliable, as metrics indicate poor data quality at this position in the gnomAD database. This variant has not been reported in the literature in individuals affected with TUBB3-related conditions. Invitae Evidence Modeling of protein sequence and biophysical properties (such as structural, functional, and spatial information, amino acid conservation, physicochemical variation, residue mobility, and thermodynamic stability) indicates that this missense variant is not expected to disrupt TUBB3 protein function with a negative predictive value of 80%. In summary, the available evidence is currently insufficient to determine the role of this variant in disease. Therefore, it has been classified as a Variant of Uncertain Significance.

NM_006086.4(TUBB3):c.1004G>A (p.Ser335Asn)

Gene: TUBB3 (tubulin beta 3 class III; plus strand). Cytogenetic location: 16q24.3.
Variant type: single nucleotide variant.
Coding change: c.1004G>A on transcript NM_006086.4 (MANE Select); coding-DNA position 1004, G replaced by A.
Protein change: p.Ser335Asn; replaces serine 335 with asparagine.
Molecular consequence: missense variant.
Genome position (GRCh38, 1-based): chr16:89,935,455, G>A. VCF-style: chr16-89935455-G-A. GRCh37 (hg19) VCF-style: chr16-90001863-G-A.
Other names: c.788G>A, p.Ser263Asn (NM_001197181.2); short protein forms S335N, S263N.
Identifiers: ClinVar variation 4690820 (VCV004690820.1).